The following is an entry in ClinVar:

NM_013432.5(TONSL):c.53A>G (p.Gln18Arg)

Genes: TONSL (tonsoku like, DNA repair protein; minus strand), LOC130001399 (ATAC-STARR-seq lymphoblastoid silent region 19685; plus strand). Cytogenetic location: 8q24.3.
Variant type: single nucleotide variant.
Coding change: c.53A>G on transcript NM_013432.5 (MANE Select); coding-DNA position 53, A replaced by G.
Protein change: p.Gln18Arg; replaces glutamine 18 with arginine.
Molecular consequence: missense variant.
Genome position (GRCh38, 1-based): chr8:144,444,248, T>C on the plus strand (A>G on the coding strand, the complement: TONSL is on the minus strand). VCF-style: chr8-144444248-T-C. GRCh37 (hg19) VCF-style: chr8-145669631-T-C.
Other names: short protein forms Q18R.
Identifiers: ClinVar variation 1900549 (VCV001900549.3), dbSNP rs1005105136, ClinGen allele CA372680042.

ClinVar aggregate classification (germline): Uncertain significance (1 of 4 stars; one submission).

Allele frequency attached by ClinVar (database versions not stated): gnomAD exomes 0.00001.
gnomAD v4.1: 14 of 1,455,466 alleles (0.00096%); highest among the groups gnomAD compares: Admixed American, 0.0098%; no homozygotes.

Submission:

Labcorp Genetics (formerly Invitae), Labcorp
Classification: Uncertain significance. Last evaluated: 2022-07-10. Review status: criteria provided, single submitter. Criteria: Invitae Variant Classification Sherloc (09022015). Collection method: clinical testing. Allele origin: germline.
Comment: In summary, the available evidence is currently insufficient to determine the role of this variant in disease. Therefore, it has been classified as a Variant of Uncertain Significance. Algorithms developed to predict the effect of missense changes on protein structure and function are either unavailable or do not agree on the potential impact of this missense change (SIFT: "Tolerated"; PolyPhen-2: "Possibly Damaging"; Align-GVGD: "Class C0"). This variant has not been reported in the literature in individuals affected with TONSL-related conditions. The frequency data for this variant in the population databases is considered unreliable, as metrics indicate poor data quality at this position in the gnomAD database. This sequence change replaces glutamine, which is neutral and polar, with arginine, which is basic and polar, at codon 18 of the TONSL protein (p.Gln18Arg).